The following is an entry in ClinVar:

NM_001868.4(CPA1):c.329G>T (p.Arg110Leu)

Gene: CPA1 (carboxypeptidase A1; plus strand). Cytogenetic location: 7q32.2.
Variant type: single nucleotide variant.
Coding change: c.329G>T on transcript NM_001868.4 (MANE Select); coding-DNA position 329, G replaced by T.
Protein change: p.Arg110Leu; replaces arginine 110 with leucine.
Molecular consequence: missense variant.
Genome position (GRCh38, 1-based): chr7:130,381,811, G>T. VCF-style: chr7-130381811-G-T. GRCh37 (hg19) VCF-style: chr7-130021652-G-T.
Other names: short protein forms R110L.
Identifiers: ClinVar variation 3496182 (VCV003496182.1).

ClinVar aggregate classification (germline): Uncertain significance (1 of 4 stars; one submission).

Conditions:
Hereditary pancreatitis (PCTT). Also called: Hereditary chronic pancreatitis; PRSS1-Related Hereditary Pancreatitis. Identifiers: Orphanet 676, MedGen C0238339, MONDO:0008185, OMIM 167800.

gnomAD v4.1: 1 of 1,614,094 alleles (0.000062%); no homozygotes.

Submission:

Ambry Genetics
Classification: Uncertain significance for Hereditary pancreatitis. Last evaluated: 2024-07-13. Review status: criteria provided, single submitter. Criteria: Ambry Variant Classification Scheme 2023. Collection method: clinical testing. Allele origin: germline.
Comment: The p.R110L variant (also known as c.329G>T), located in coding exon 3 of the CPA1 gene, results from a G to T substitution at nucleotide position 329. The arginine at codon 110 is replaced by leucine, an amino acid with dissimilar properties. This amino acid position is conserved. In addition, this alteration is predicted to be tolerated by in silico analysis. Based on the available evidence, the clinical significance of this variant remains unclear.